The following is an entry in ClinVar:

NM_000071.3(CBS):c.1552+16C>T

Gene: CBS (cystathionine beta-synthase; minus strand). Cytogenetic location: 21q22.3.
Variant type: single nucleotide variant.
Coding change: c.1552+16C>T on transcript NM_000071.3 (MANE Select); 16 bases into the intron after coding-DNA position 1552, C replaced by T.
Molecular consequence: intron variant.
Genome position (GRCh38, 1-based): chr21:43,056,787, G>A on the plus strand (C>T on the coding strand, the complement: CBS is on the minus strand). VCF-style: chr21-43056787-G-A. GRCh37 (hg19) VCF-style: chr21-44476897-G-A.
Other names: c.1552+16C>T (NM_001320298.2, NM_001178009.3, NM_001178008.3); c.1237+16C>T (NM_001321072.1).
Identifiers: ClinVar variation 514669 (VCV000514669.1), dbSNP rs1555871071, ClinGen allele CA658799450.
Genomic context (GRCh38, chr21:43,056,787, plus strand): 5'-GCTGCCCATGGCAGAGGCCAGGCTTGGTGGCCTGACCCCAGTGAGAACCCCACGCACAGA[G>A]CAGGGCCCCACTCACACTGGATCTGCTCGTGCACCACCAGGGCGAAGTGGTCCATCTCCA-3'

ClinVar aggregate classification (germline): Likely benign (1 of 4 stars; one submission).

Submission:

GeneDx
Classification: Likely benign. Last evaluated: 2018-01-08. Review status: criteria provided, single submitter. Criteria: GeneDx Variant Classification (06012015). Collection method: clinical testing. Allele origin: germline. Affected: yes.
Comment: This variant is considered likely benign or benign based on one or more of the following criteria: it is a conservative change, it occurs at a poorly conserved position in the protein, it is predicted to be benign by multiple in silico algorithms, and/or has population frequency not consistent with disease.